The following is an entry in ClinVar:

NM_020433.5(JPH2):c.1448G>A (p.Gly483Asp)

Gene: JPH2 (junctophilin 2; minus strand). Cytogenetic location: 20q13.12.
Variant type: single nucleotide variant.
Coding change: c.1448G>A on transcript NM_020433.5 (MANE Select); coding-DNA position 1448, G replaced by A.
Protein change: p.Gly483Asp; replaces glycine 483 with aspartic acid.
Molecular consequence: missense variant.
Genome position (GRCh38, 1-based): chr20:44,116,227, C>T on the plus strand (G>A on the coding strand, the complement: JPH2 is on the minus strand). VCF-style: chr20-44116227-C-T. GRCh37 (hg19) VCF-style: chr20-42744867-C-T.
Other names: short protein forms G483D.
Identifiers: ClinVar variation 4726011 (VCV004726011.1).

ClinVar aggregate classification (germline): Uncertain significance (1 of 4 stars; one submission).

Conditions:
Hypertrophic cardiomyopathy. Also called: HYPERTROPHIC MYOCARDIOPATHY. Identifiers: Orphanet 217569, MedGen C0007194, MeSH D002312, MONDO:0005045, HP:0001639.

gnomAD v4.1: 1 of 1,405,394 alleles (0.000071%); highest among the groups gnomAD compares: Non-Finnish European, 0.000092%; no homozygotes.

Submission:

Labcorp Genetics (formerly Invitae), Labcorp
Classification: Uncertain significance for Hypertrophic cardiomyopathy. Last evaluated: 2025-08-25. Review status: criteria provided, single submitter. Criteria: Invitae Variant Classification Sherloc (09022015). Collection method: clinical testing. Allele origin: germline.
Comment: This sequence change replaces glycine, which is neutral and non-polar, with aspartic acid, which is acidic and polar, at codon 483 of the JPH2 protein (p.Gly483Asp). This variant is not present in population databases (gnomAD no frequency). This variant has not been reported in the literature in individuals affected with JPH2-related conditions. An algorithm developed to predict the effect of missense changes on protein structure and function (PolyPhen-2) suggests that this variant is likely to be tolerated. In summary, the available evidence is currently insufficient to determine the role of this variant in disease. Therefore, it has been classified as a Variant of Uncertain Significance.